The following is an entry in ClinVar:

ClinVar aggregate classification (germline): Likely pathogenic (1 of 4 stars; one submission).

Conditions:
Camptomelic dysplasia (CMPD). Also called: CMPD1/SRA1; Campomelic Dysplasia. Identifiers: Orphanet 140, MedGen C1861922, MONDO:0007251, OMIM 114290.

Submission:

Institute of Human Genetics, University of Leipzig Medical Center
Classification: Likely pathogenic for Camptomelic dysplasia. Last evaluated: 2026-02-16. Review status: criteria provided, single submitter. Criteria: ACMG Guidelines, 2015. Collection method: clinical testing. Allele origin: maternal. Inheritance: Autosomal dominant inheritance. Affected: yes.
Comment: Criteria applied: PM1,PM2,PP2,PP3

NM_000346.4(SOX9):c.498G>C (p.Lys166Asn)

Gene: SOX9 (SRY-box transcription factor 9; plus strand). Cytogenetic location: 17q24.3.
Variant type: single nucleotide variant.
Coding change: c.498G>C on transcript NM_000346.4 (MANE Select); coding-DNA position 498, G replaced by C.
Protein change: p.Lys166Asn; replaces lysine 166 with asparagine.
Molecular consequence: missense variant.
Genome position (GRCh38, 1-based): chr17:72,122,785, G>C. VCF-style: chr17-72122785-G-C. GRCh37 (hg19) VCF-style: chr17-70118926-G-C.
Other names: short protein forms K166N.
Identifiers: ClinVar variation 4819153 (VCV004819153.1).